The following is an entry in ClinVar:

NM_007194.4(CHEK2):c.1321A>C (p.Thr441Pro)

Gene: CHEK2 (checkpoint kinase 2; minus strand). Cytogenetic location: 22q12.1.
Variant type: single nucleotide variant.
Coding change: c.1321A>C on transcript NM_007194.4 (MANE Select); coding-DNA position 1321, A replaced by C.
Protein change: p.Thr441Pro; replaces threonine 441 with proline.
Molecular consequence: missense variant.
Genome position (GRCh38, 1-based): chr22:28,695,181, T>G on the plus strand (A>C on the coding strand, the complement: CHEK2 is on the minus strand). VCF-style: chr22-28695181-T-G. GRCh37 (hg19) VCF-style: chr22-29091169-T-G.
Other names: c.1450A>C, p.Thr484Pro (NM_001005735.3); c.658A>C, p.Thr220Pro (NM_001257387.3); c.1120A>C, p.Thr374Pro (NM_001349956.3); c.1234A>C, p.Thr412Pro (NM_145862.3); short protein forms T220P, T441P, T484P, T412P, T374P.
Identifiers: ClinVar variation 1359271 (VCV001359271.11), dbSNP rs876660046, ClinGen allele CA411095933.

ClinVar aggregate classification (germline): Uncertain significance. Review status: criteria provided, multiple submitters, no conflicts (2 of 4 stars). 2 submissions from 2 submitters: Uncertain significance (2). Last evaluated 2023-02-03.

Conditions:
Hereditary cancer-predisposing syndrome. Also called: Tumor predisposition; Hereditary neoplastic syndrome; Neoplastic Syndromes, Hereditary; Hereditary Cancer Syndrome. Identifiers: Orphanet 140162, MedGen C0027672, MeSH D009386, MONDO:0015356.
Familial cancer of breast. Also called: Hereditary breast cancer; BREAST CANCER, FAMILIAL; hereditary breast carcinoma. Identifiers: Orphanet 227535, MedGen C0346153, MONDO:0016419, OMIM 114480. Disease mechanism: loss of function.

Submissions (2):

Labcorp Genetics (formerly Invitae), Labcorp
Classification: Uncertain significance for Familial cancer of breast. Last evaluated: 2023-02-03. Review status: criteria provided, single submitter. Criteria: Invitae Variant Classification Sherloc (09022015). Collection method: clinical testing. Allele origin: germline.
Comment: Algorithms developed to predict the effect of missense changes on protein structure and function are either unavailable or do not agree on the potential impact of this missense change (SIFT: "Deleterious"; PolyPhen-2: "Possibly Damaging"; Align-GVGD: "Class C0"). In summary, the available evidence is currently insufficient to determine the role of this variant in disease. Therefore, it has been classified as a Variant of Uncertain Significance. ClinVar contains an entry for this variant (Variation ID: 1359271). This sequence change replaces threonine, which is neutral and polar, with proline, which is neutral and non-polar, at codon 441 of the CHEK2 protein (p.Thr441Pro). This variant is not present in population databases (gnomAD no frequency). This variant has not been reported in the literature in individuals affected with CHEK2-related conditions.

Ambry Genetics
Classification: Uncertain significance for Hereditary cancer-predisposing syndrome. Last evaluated: 2021-01-11. Review status: criteria provided, single submitter. Criteria: Ambry Variant Classification Scheme 2023. Collection method: clinical testing. Allele origin: germline.
Comment: The p.T441P variant (also known as c.1321A>C), located in coding exon 11 of the CHEK2 gene, results from an A to C substitution at nucleotide position 1321. The threonine at codon 441 is replaced by proline, an amino acid with highly similar properties. This amino acid position is not well conserved in available vertebrate species. In addition, the in silico prediction for this alteration is inconclusive. Since supporting evidence is limited at this time, the clinical significance of this alteration remains unclear.